The following is an entry in ClinVar:

ClinVar aggregate classification (germline): Uncertain significance. Review status: criteria provided, multiple submitters, no conflicts (2 of 4 stars). 2 submissions from 2 submitters: Uncertain significance (2). Last evaluated 2023-07-19.

Conditions:
Multiple acyl-CoA dehydrogenase deficiency (MADD). Also called: ETHYLMALONIC-ADIPICACIDURIA; GA II; Glutaric acidemia type II; GA 2; Glutaric Acidemia type 2; Glutaric aciduria, type 2. Identifiers: Orphanet 26791, MedGen C0268596, MONDO:0009282, OMIM 231680.
Inborn genetic diseases. Identifiers: MedGen C0950123, MeSH D030342.

Allele frequency attached by ClinVar (database versions not stated): gnomAD 0.00001; gnomAD exomes 0.00003 and 0.00006; ExAC 0.00007; ESP Exome Variant Server 0.00008.
gnomAD v4.1: 47 of 1,614,072 alleles (0.0029%); highest among the groups gnomAD compares: South Asian, 0.038%; no homozygotes.

Submissions (2):

Ambry Genetics
Classification: Uncertain significance for Inborn genetic diseases. Last evaluated: 2023-07-19. Review status: criteria provided, single submitter. Criteria: Ambry Variant Classification Scheme 2023. Collection method: clinical testing. Allele origin: germline.

Labcorp Genetics (formerly Invitae), Labcorp
Classification: Uncertain significance for Multiple acyl-CoA dehydrogenase deficiency. Last evaluated: 2021-09-01. Review status: criteria provided, single submitter. Criteria: Invitae Variant Classification Sherloc (09022015). Collection method: clinical testing. Allele origin: germline.
Comment: This sequence change replaces glycine with serine at codon 236 of the ETFB protein (p.Gly236Ser). The glycine residue is highly conserved and there is a small physicochemical difference between glycine and serine. This variant is present in population databases (rs375326450, ExAC 0.04%). This variant has not been reported in the literature in individuals affected with ETFB-related conditions. Algorithms developed to predict the effect of missense changes on protein structure and function (SIFT, PolyPhen-2, Align-GVGD) all suggest that this variant is likely to be disruptive. In summary, the available evidence is currently insufficient to determine the role of this variant in disease. Therefore, it has been classified as a Variant of Uncertain Significance.

NM_001985.3(ETFB):c.706G>A (p.Gly236Ser)

Gene: ETFB (electron transfer flavoprotein subunit beta; minus strand). Cytogenetic location: 19q13.41.
Variant type: single nucleotide variant.
Coding change: c.706G>A on transcript NM_001985.3 (MANE Select); coding-DNA position 706, G replaced by A.
Protein change: p.Gly236Ser; replaces glycine 236 with serine.
Molecular consequence: missense variant.
Genome position (GRCh38, 1-based): chr19:51,345,273, C>T on the plus strand (G>A on the coding strand, the complement: ETFB is on the minus strand). VCF-style: chr19-51345273-C-T. GRCh37 (hg19) VCF-style: chr19-51848527-C-T.
Other names: c.706G>A (NM_001985.2); c.979G>A, p.Gly327Ser (NM_001014763.1); short protein forms G327S, G236S.
Identifiers: ClinVar variation 1449278 (VCV001449278.8), dbSNP rs375326450, ClinGen allele CA9610672.